The following is an entry in ClinVar:

NM_000038.6(APC):c.4717del (p.Glu1573fs)

Gene: APC (APC regulator of Wnt signaling pathway; plus strand). Cytogenetic location: 5q22.2.
Variant type: Deletion.
Coding change: c.4717del on transcript NM_000038.6 (MANE Select); coding-DNA position 4717, one base deleted (G; older notation c.4717delG).
Protein change: p.Glu1573fs; shifts the reading frame from glutamic acid 1573.
Molecular consequence: frameshift variant.
Genome position (GRCh38, 1-based): chr5:112,840,311, G deleted. VCF-style (leftmost placement, unchanged base first): chr5-112840310-TG-T. GRCh37 (hg19) VCF-style: chr5-112176007-TG-T.
Other names: c.4717del, p.Glu1573fs (NM_001127510.3, NM_001354895.2); c.4663del, p.Glu1555fs (NM_001127511.3); c.4771del, p.Glu1591fs (NM_001354896.2); c.4747del, p.Glu1583fs (NM_001354897.2); c.4642del, p.Glu1548fs (NM_001354898.2); c.4633del, p.Glu1545fs (NM_001354899.2); c.4594del, p.Glu1532fs (NM_001354900.2); c.4540del, p.Glu1514fs (NM_001354901.2); and 5 more; short protein forms E1290fs, E1514fs, E1545fs, E1555fs, E1573fs, E1591fs, E1447fs, E1548fs.
Identifiers: ClinVar variation 236206 (VCV000236206.2), dbSNP rs878853217, ClinGen allele CA10581563.

ClinVar aggregate classification (germline): Pathogenic (0 of 4 stars; one submission).

Conditions:
Familial adenomatous polyposis 1 (FAP1). Also called: FAMILIAL ADENOMATOUS POLYPOSIS 1, ATTENUATED; POLYPOSIS, ADENOMATOUS INTESTINAL. Identifiers: MedGen C2713442, MONDO:0021056, OMIM 175100. Disease mechanism: loss of function.

Submission:

Laboratory Genomica, Gynecology and Assisted Reproduction Hospital Malinov DM
Classification: Pathogenic for Familial adenomatous polyposis 1. Last evaluated: 2015-09-10. Review status: no assertion criteria provided. Collection method: clinical testing. Allele origin: germline. Inheritance: Autosomal dominant inheritance. Affected: yes. Observed: 1 variant allele, 1 heterozygote.
Comment: Frameshift mutation leading to a premature stop codon